The following is an entry in ClinVar:

ClinVar aggregate classification (germline): Pathogenic/Likely pathogenic. Review status: criteria provided, multiple submitters, no conflicts (2 of 4 stars). 5 submissions from 5 submitters: Pathogenic (2); Likely pathogenic (3). Last evaluated 2024-04-02.

Conditions:
Niemann-Pick disease, type B. Also called: Chronic Visceral ASMD (Niemann-Pick Disease Type B; NPD-B). Identifiers: Orphanet 77293, MedGen C0268243, MONDO:0011871, OMIM 607616. Disease mechanism: loss of function.
Niemann-Pick disease, type A. Also called: Infantile Neurovisceral ASMD (Niemann-Pick Disease Type A; NPD-A); SPHINGOMYELIN LIPIDOSIS; SPHINGOMYELINASE DEFICIENCY. Identifiers: Orphanet 77292, MedGen C0268242, MONDO:0009756, OMIM 257200. Disease mechanism: loss of function.

Submissions (5):

Natera, Inc.
Classification: Likely pathogenic for Niemann-Pick Disease, Types A/B. Last evaluated: 2024-04-02. Review status: criteria provided, single submitter. Criteria: Natera Variant Classification Schema (03/2026). Collection method: clinical testing. Allele origin: germline.
Comment: The c.148_151delTCTG variant in SMPD1 is a frameshift variant predicted to shift the reading frame beginning at codon 50 and leads to a stop codon 26 codons downstream. This variant is expected to result in nonsense mediated decay, truncation, or a dysfunctional protein product. This variant is rare in the general population with a frequency below the threshold expected for the associated phenotype(s). Given the available evidence, this variant is classified as Likely Pathogenic.

Women's Health and Genetics/Laboratory Corporation of America, LabCorp
Classification: Likely pathogenic for Niemann-Pick disease, type A. Last evaluated: 2022-07-28. Review status: criteria provided, single submitter. Criteria: LabCorp Variant Classification Summary - May 2015. Collection method: clinical testing. Allele origin: germline.
Comment: Variant summary: SMPD1 c.148_151delTCTG (p.Ser50ThrfsX26) results in a premature termination codon, predicted to cause a truncation of the encoded protein or absence of the protein due to nonsense mediated decay, which are commonly known mechanisms for disease. Truncations downstream of this position have been classified as pathogenic by our laboratory. The variant was absent in 249930 control chromosomes (gnomAD). c.148_151delTCTG has been reported in the literature in a compound heterozygous pediatric case with acid sphingomyelinase-deficient NPD (Zhang_2013). To our knowledge, no experimental evidence demonstrating an impact on protein function has been reported. Two clinical diagnostic laboratories have submitted clinical-significance assessments for this variant to ClinVar after 2014 and classified the variant as pathogenic. Based on the evidence outlined above, the variant was classified as likely pathogenic.

3billion
Classification: Pathogenic for Niemann-Pick disease, type A. Last evaluated: 2022-05-22. Review status: criteria provided, single submitter. Criteria: ACMG Guidelines, 2015. Collection method: clinical testing. Allele origin: germline. Affected: yes. Observed: 1 homozygote.
Comment: The deletion creates a frameshift variant, which is expected to cause a loss of normal protein function via nonsense-mediated mRNA decay. This variant has been reported as pathogenic (PMID:23356216). It is absent from the gnomAD v2.1.1 dataset. Therefore, this variant is classified as pathogenic according to the recommendation of ACMG/AMP guideline.

Labcorp Genetics (formerly Invitae), Labcorp
Classification: Pathogenic for Niemann-Pick disease, type B; Niemann-Pick disease, type A. Last evaluated: 2021-01-13. Review status: criteria provided, single submitter. Criteria: Invitae Variant Classification Sherloc (09022015). Collection method: clinical testing. Allele origin: germline.
Comment: This sequence change creates a premature translational stop signal (p.Ser50Thrfs*26) in the SMPD1 gene. It is expected to result in an absent or disrupted protein product. Loss-of-function variants in SMPD1 are known to be pathogenic (PMID: 12369017, 15221801). This variant is not present in population databases (ExAC no frequency). This variant has been observed in individual(s) with Niemann-Pick disease (PMID: 23356216). This variant is also known as c.147-150del4. For these reasons, this variant has been classified as Pathogenic.

Neuberg Centre For Genomic Medicine, NCGM
Classification: Likely pathogenic for Niemann-Pick disease, type A. Review status: criteria provided, single submitter. Criteria: ACMG Guidelines, 2015. Collection method: clinical testing. Allele origin: germline. Inheritance: Autosomal recessive inheritance. Affected: yes.
Comment: The frame shift variant c.148_151del in SMPD1 has been submitted to ClinVar as Pathogenic, but no details are available for independent assessment. The p.Ser50ThrfsTer26 variant is novel (not in any individuals) in gnomAD Exomes and 1000 Genomes. This variant causes a frameshift starting with codon Serine 50, changes this amino acid to Threonine residue, and creates a premature stop codon at position 26 of the new reading frame, denoted p.Ser50ThrfsTer26. This variant is predicted to cause loss of normal protein function through protein truncation. Loss of function variants have been previously reported to be disease causing. For these reasons, this variant has been classified as Likely Pathogenic.

Literature cited by the submitters: PubMed 23356216 (cited by 3 submitters); PubMed 33675270 (cited by Women's Health and Genetics/Laboratory Corporation of America, LabCorp); PubMed 12369017 (cited by Labcorp Genetics (formerly Invitae), Labcorp); PubMed 15221801 (cited by Labcorp Genetics (formerly Invitae), Labcorp).

NM_000543.5(SMPD1):c.148_151del (p.Ser50fs)

Gene: SMPD1 (sphingomyelin phosphodiesterase 1; plus strand). Cytogenetic location: 11p15.4.
Variant type: Microsatellite.
Coding change: c.148_151del on transcript NM_000543.5 (MANE Select); coding-DNA positions 148 to 151, 4 bases deleted (TCTG; older notation c.148_151delTCTG).
Protein change: p.Ser50fs; shifts the reading frame from serine 50.
Molecular consequence: frameshift variant. On other transcripts: 5 prime UTR variant (1), non-coding transcript variant (2).
Genome position (GRCh38, 1-based): chr11:6,390,746-6,390,749, TCTG deleted; deleting any 4 consecutive bases within chr11:6,390,742-6,390,749 gives the same sequence; the c. name uses the placement nearest the transcript's 3' end. VCF-style (leftmost placement, unchanged base first): chr11-6390741-CTCTG-C. GRCh37 (hg19) VCF-style: chr11-6411971-CTCTG-C.
Other names: c.148_151delTCTG (NM_000543.4); c.148_151del, p.Ser50fs (NM_001007593.3, NM_001318087.2, NM_001365135.2); c.-818TCTG[1] (NM_001318088.2); short protein forms S50fs.
Identifiers: ClinVar variation 1458477 (VCV001458477.12), dbSNP rs281860676, ClinGen allele CA217299051.